The following is an entry in ClinVar:

ClinVar aggregate classification (germline): Pathogenic. Review status: criteria provided, multiple submitters, no conflicts (2 of 4 stars). 4 submissions from 4 submitters: Pathogenic (3). 1 of the submissions does not count toward it. Last evaluated 2024-05-31.

Conditions:
Autosomal recessive congenital ichthyosis 1 (LI1). Also called: DESQUAMATION OF NEWBORN; ICHTHYOSIS CONGENITA; ICHTHYOSIS CONGENITA II; LAMELLAR EXFOLIATION OF NEWBORN; COLLODION FETUS; ICHTHYOSIS, CONGENITAL, AUTOSOMAL RECESSIVE 1, WITH BATHING SUIT DISTRIBUTION. Identifiers: MedGen C4551630, MONDO:0009441, OMIM 242300.

Submissions (4):

Fulgent Genetics
Classification: Pathogenic for Autosomal recessive congenital ichthyosis 1. Last evaluated: 2024-05-31. Review status: criteria provided, single submitter. Criteria: ACMG Guidelines, 2015. Collection method: clinical testing. Allele origin: germline.

Labcorp Genetics (formerly Invitae), Labcorp
Classification: Pathogenic. Last evaluated: 2023-06-23. Review status: criteria provided, single submitter. Criteria: Invitae Variant Classification Sherloc (09022015). Collection method: clinical testing. Allele origin: germline.
Comment: ClinVar contains an entry for this variant (Variation ID: 558187). For these reasons, this variant has been classified as Pathogenic. This variant is also known as Q661X. This premature translational stop signal has been observed in individual(s) with lamellar ichthyosis (PMID: 10886517). This variant is not present in population databases (gnomAD no frequency). This sequence change creates a premature translational stop signal (p.Gln662*) in the TGM1 gene. It is expected to result in an absent or disrupted protein product. Loss-of-function variants in TGM1 are known to be pathogenic (PMID: 18948357, 19241467).

Baylor Genetics
Classification: Pathogenic for Autosomal recessive congenital ichthyosis 1. Last evaluated: 2023-06-11. Review status: criteria provided, single submitter. Criteria: ACMG Guidelines, 2015. Collection method: clinical testing. Allele origin: unknown.

Counsyl
Classification: Likely pathogenic for Autosomal recessive congenital ichthyosis 1. Last evaluated: 2018-05-03. Review status: no assertion criteria provided. Collection method: clinical testing. Allele origin: unknown. Not counted in ClinVar's aggregate classification.

Literature cited by the submitters: PubMed 10886517 (cited by Labcorp Genetics (formerly Invitae), Labcorp and Counsyl); PubMed 18948357 (cited by Labcorp Genetics (formerly Invitae), Labcorp); PubMed 19241467 (cited by Labcorp Genetics (formerly Invitae), Labcorp).

NM_000359.3(TGM1):c.1984C>T (p.Gln662Ter)

Gene: TGM1 (transglutaminase 1; minus strand). Cytogenetic location: 14q12.
Variant type: single nucleotide variant.
Coding change: c.1984C>T on transcript NM_000359.3 (MANE Select); coding-DNA position 1984, C replaced by T.
Protein change: p.Gln662Ter; replaces glutamine 662 with a stop codon.
Molecular consequence: nonsense.
Genome position (GRCh38, 1-based): chr14:24,254,768, G>A on the plus strand (C>T on the coding strand, the complement: TGM1 is on the minus strand). VCF-style: chr14-24254768-G-A. GRCh37 (hg19) VCF-style: chr14-24723974-G-A.
Other names: short protein forms Q662*.
Identifiers: ClinVar variation 558187 (VCV000558187.8), dbSNP rs1555305725, ClinGen allele CA389248100.